The following is an entry in ClinVar:

ClinVar aggregate classification (germline): Uncertain significance. Review status: criteria provided, multiple submitters, no conflicts (2 of 4 stars). 6 submissions from 6 submitters: Uncertain significance (6). Last evaluated 2025-12-22.

Conditions:
Hereditary cancer-predisposing syndrome. Also called: Neoplastic Syndromes, Hereditary; Tumor predisposition; Hereditary Cancer Syndrome; Hereditary neoplastic syndrome. Identifiers: Orphanet 140162, MedGen C0027672, MeSH D009386, MONDO:0015356.
Familial cancer of breast. Also called: BREAST CANCER, FAMILIAL; hereditary breast carcinoma; Hereditary breast cancer. Identifiers: Orphanet 227535, MedGen C0346153, MONDO:0016419, OMIM 114480. Disease mechanism: loss of function.

Allele frequency attached by ClinVar (database versions not stated): gnomAD exomes below 0.00001.
gnomAD v4.1: 3 of 1,614,184 alleles (0.00019%); highest among the groups gnomAD compares: Middle Eastern, 0.016%; no homozygotes.

Submissions (6):

Labcorp Genetics (formerly Invitae), Labcorp
Classification: Uncertain significance for Familial cancer of breast. Last evaluated: 2025-12-22. Review status: criteria provided, single submitter. Criteria: Invitae Variant Classification Sherloc (09022015). Collection method: clinical testing. Allele origin: germline.
Comment: This sequence change replaces tryptophan, which is neutral and slightly polar, with arginine, which is basic and polar, at codon 1159 of the PALB2 protein (p.Trp1159Arg). This variant is not present in population databases (gnomAD no frequency). This variant has not been reported in the literature in individuals affected with PALB2-related conditions. ClinVar contains an entry for this variant (Variation ID: 234009). An algorithm developed to predict the effect of missense changes on protein structure and function (PolyPhen-2) suggests that this variant is likely to be disruptive. In summary, the available evidence is currently insufficient to determine the role of this variant in disease. Therefore, it has been classified as a Variant of Uncertain Significance.

GeneDx
Classification: Uncertain significance. Last evaluated: 2025-09-16. Review status: criteria provided, single submitter. Criteria: GeneDx Variant Classification Process June 2021. Collection method: clinical testing. Allele origin: germline. Affected: yes.
Comment: Not observed at significant frequency in large population cohorts (gnomAD); In silico analysis supports that this missense variant has a deleterious effect on protein structure/function; Has not been previously published as pathogenic or benign to our knowledge; This variant is associated with the following publications: (PMID: 24485656, 19609323, 20871615)

Ambry Genetics
Classification: Uncertain significance for Hereditary cancer-predisposing syndrome. Last evaluated: 2025-07-23. Review status: criteria provided, single submitter. Criteria: Ambry Variant Classification Scheme 2023. Collection method: clinical testing. Allele origin: germline.
Comment: The p.W1159R variant (also known as c.3475T>C), located in coding exon 13 of the PALB2 gene, results from a T to C substitution at nucleotide position 3475. The tryptophan at codon 1159 is replaced by arginine, an amino acid with dissimilar properties. This amino acid position is highly conserved in available vertebrate species. In addition, the in silico prediction for this alteration is inconclusive. Based on the available evidence, the clinical significance of this variant remains unclear.

Center for Genomic Medicine, Rigshospitalet, Copenhagen University Hospital
Classification: Uncertain significance. Last evaluated: 2025-03-04. Review status: criteria provided, single submitter. Criteria: ACMG Guidelines, 2015. Collection method: clinical testing. Allele origin: germline.

Baylor Genetics
Classification: Uncertain significance for Familial cancer of breast. Last evaluated: 2024-03-08. Review status: criteria provided, single submitter. Criteria: ACMG Guidelines, 2015. Collection method: clinical testing. Allele origin: unknown.

Color Diagnostics, LLC DBA Color Health
Classification: Uncertain significance for Hereditary cancer-predisposing syndrome. Last evaluated: 2022-04-25. Review status: criteria provided, single submitter. Criteria: ACMG Guidelines, 2015. Collection method: clinical testing. Allele origin: germline.
Comment: This missense variant replaces tryptophan with arginine at codon 1159 of the PALB2 protein. Computational prediction suggests that this variant may not impact protein structure and function (internally defined REVEL score threshold <= 0.5, PMID: 27666373). To our knowledge, functional studies have not been reported for this variant. This variant has not been reported in individuals affected with hereditary cancer in the literature. This variant has not been identified in the general population by the Genome Aggregation Database (gnomAD). The available evidence is insufficient to determine the role of this variant in disease conclusively. Therefore, this variant is classified as a Variant of Uncertain Significance.

NM_024675.4(PALB2):c.3475T>C (p.Trp1159Arg)

Gene: PALB2 (partner and localizer of BRCA2; minus strand). Cytogenetic location: 16p12.2.
Variant type: single nucleotide variant.
Coding change: c.3475T>C on transcript NM_024675.4 (MANE Select); coding-DNA position 3475, T replaced by C.
Protein change: p.Trp1159Arg; replaces tryptophan 1159 with arginine.
Molecular consequence: missense variant.
Genome position (GRCh38, 1-based): chr16:23,603,545, A>G on the plus strand (T>C on the coding strand, the complement: PALB2 is on the minus strand). VCF-style: chr16-23603545-A-G. GRCh37 (hg19) VCF-style: chr16-23614866-A-G.
Other names: short protein forms W1159R.
Identifiers: ClinVar variation 234009 (VCV000234009.34), dbSNP rs876660792, ClinGen allele CA10579913.